The following is an entry in ClinVar:

ClinVar aggregate classification (germline): Likely benign. Review status: criteria provided, multiple submitters, no conflicts (2 of 4 stars). 2 submissions from 2 submitters: Likely benign (2). Last evaluated 2024-08-07.

Conditions:
Juvenile polyposis syndrome (JPS). Identifiers: Orphanet 2929, MedGen C0345893, MONDO:0017380, OMIM 174900.
Hereditary cancer-predisposing syndrome. Also called: Hereditary Cancer Syndrome; Hereditary neoplastic syndrome; Tumor predisposition; Neoplastic Syndromes, Hereditary. Identifiers: Orphanet 140162, MedGen C0027672, MeSH D009386, MONDO:0015356.

Submissions (2):

Myriad Genetics, Inc.
Classification: Likely benign for Juvenile polyposis syndrome. Last evaluated: 2024-08-07. Review status: criteria provided, single submitter. Criteria: Myriad Autosomal Dominant, Autosomal Recessive and X-Linked Classification Criteria (2023). Collection method: clinical testing. Allele origin: unknown.
Comment: This variant is considered likely benign. This variant is intronic and is not expected to impact mRNA splicing.

Color Diagnostics, LLC DBA Color Health
Classification: Likely benign for Hereditary cancer-predisposing syndrome. Last evaluated: 2022-01-20. Review status: criteria provided, single submitter. Criteria: ACMG Guidelines, 2015. Collection method: clinical testing. Allele origin: germline.

NM_004329.3(BMPR1A):c.1343-13_1343-11delinsTAC

Gene: BMPR1A (bone morphogenetic protein receptor type 1A; plus strand). Cytogenetic location: 10q23.2.
Variant type: Indel.
Coding change: c.1343-13_1343-11delinsTAC on transcript NM_004329.3 (MANE Select); 13 bases into the intron before coding-DNA position 1343 through 11 bases into the intron before coding-DNA position 1343, CAT replaced by TAC.
Molecular consequence: intron variant.
Genome position (GRCh38, 1-based): chr10:86,923,363-86,923,365, CAT replaced by TAC. VCF-style: chr10-86923363-CAT-TAC. GRCh37 (hg19) VCF-style: chr10-88683120-CAT-TAC.
Other names: c.1343-13_1343-11delinsTAC (NM_001406561.1, NM_001406579.1, NM_001406569.1 and 19 more transcripts); c.1259-13_1259-11delinsTAC (NM_001406584.1, NM_001406588.1, NM_001406587.1 and 2 more transcripts); c.1391-13_1391-11delinsTAC (NM_001406560.1); c.1418-13_1418-11delinsTAC (NM_001406559.1); c.1337-13_1337-11delinsTAC (NM_001406583.1); c.1001-13_1001-11delinsTAC (NM_001406589.1).
Identifiers: ClinVar variation 2774815 (VCV002774815.3), dbSNP rs2539647458, ClinGen allele CA2697558539.
Genomic context (GRCh38, chr10:86,923,363, plus strand): 5'-AAAGATGCTTACTAGATTGGTATATCTTGTCCAGCAACCATTTTTGTGCCCATGTTTTCT[CAT>TAC]TCCCTTATAGGGATCGTGGAAGAATACCAATTGCCATATTACAACATGGTACCGAGTGAT-3'